The following is an entry in ClinVar:

NM_007294.4(BRCA1):c.1065G>A (p.Lys355=)

Gene: BRCA1 (BRCA1 DNA repair associated; minus strand). Cytogenetic location: 17q21.31.
Variant type: single nucleotide variant.
Coding change: c.1065G>A on transcript NM_007294.4 (MANE Select); coding-DNA position 1065, G replaced by A.
Protein change: p.Lys355=; no amino-acid change (lysine 355 retained).
Molecular consequence: synonymous variant. On other transcripts: intron variant (137).
Genome position (GRCh38, 1-based): chr17:43,094,466, C>T on the plus strand (G>A on the coding strand, the complement: BRCA1 is on the minus strand). VCF-style: chr17-43094466-C-T. GRCh37 (hg19) VCF-style: chr17-41246483-C-T.
Other names: 1184G/A; p.K355K:AAG>AAA; c.1065G>A (NM_007300.3); c.987G>A, p.Lys329= (NM_001407654.1, NM_001407655.1, NM_001407656.1 and 4 more transcripts); c.984G>A, p.Lys328= (NM_001407659.1, NM_001407660.1, NM_001407661.1 and 1 more transcripts); c.942G>A, p.Lys314= (NM_001407664.1, NM_001407665.1, NM_001407666.1 and 19 more transcripts); c.939G>A, p.Lys313= (NM_001407670.1, NM_001407671.1, NM_001407672.1 and 11 more transcripts); c.1065G>A, p.Lys355= (NM_001407684.1, NM_001407854.1, NM_001407858.1 and 30 more transcripts); and 43 more.
Identifiers: ClinVar variation 54113 (VCV000054113.61), dbSNP rs41286292, ClinGen allele CA000710.
Genomic context (GRCh38, chr17:43,094,466, plus strand): 5'-TAGTGTTATCCAAGGAACATCTTCAGTATCTCTAGGATTCTCTGAGCATGGCAGTTTCTG[C>T]TTATTCCATTCTTTTCTCTCACACAGGGGATCAGCATTCAGATCTACCTTTTTTTCTGTG-3'
Protein context (NP_009225.1, residues 345-365): DPLCERKEWN[Lys355=]QKLPCSENPR

ClinVar aggregate classification (germline): Likely benign. Review status: reviewed by expert panel (3 of 4 stars). 24 submissions from 24 submitters: Likely benign (1). 23 of the submissions do not count toward it. Last evaluated 2017-06-29.

Conditions:
Breast and/or ovarian cancer. Identifiers: MedGen CN221562.
Hereditary cancer-predisposing syndrome. Also called: Neoplastic Syndromes, Hereditary; Tumor predisposition; Hereditary Cancer Syndrome; Hereditary neoplastic syndrome. Identifiers: Orphanet 140162, MedGen C0027672, MeSH D009386, MONDO:0015356.
Hereditary breast ovarian cancer syndrome. Also called: Hereditary breast and/or ovarian cancer syndrome; Hereditary breast and ovarian cancer syndrome; Hereditary breast and ovarian cancer; Hereditary breast and ovarian cancer syndrome (HBOC); Breast and ovarian cancer; BRCA1- and BRCA2-Associated Hereditary Breast and Ovarian Cancer. Identifiers: Orphanet 145, MedGen C0677776, MeSH D061325, MONDO:0003582. Disease mechanism: loss of function.
Breast-ovarian cancer, familial, susceptibility to, 1 (BROVCA1). Also called: OVARIAN CANCER, SUSCEPTIBILITY TO; BRCA1 Hereditary Breast and Ovarian Cancer. Identifiers: Orphanet 145, MedGen C2676676, MONDO:0011450, OMIM 604370. Disease mechanism: loss of function.
Malignant tumor of breast. Also called: Malignant breast neoplasm; Cancer breast. Identifiers: MedGen C0006142, MONDO:0007254. Disease mechanism: loss of function.

Allele frequency attached by ClinVar (database versions not stated): ESP Exome Variant Server 0.00008; gnomAD exomes 0.00008 and 0.00013; TOPMed 0.00008; gnomAD 0.00011; 1000 Genomes Project 30x 0.00016; ExAC 0.00019; 1000 Genomes Project 0.00020.
gnomAD v4.1: 149 of 1,614,038 alleles (0.0092%); highest among the groups gnomAD compares: Middle Eastern, 0.082%; no homozygotes.

Submissions 1 to 15 of 24:

Evidence-based Network for the Interpretation of Germline Mutant Alleles (ENIGMA)
Classification: Likely benign for Breast-ovarian cancer, familial, susceptibility to, 1. Last evaluated: 2017-06-29. Review status: reviewed by expert panel. Criteria: ENIGMA BRCA1/2 Classification Criteria (2017-06-29). Collection method: curation. Allele origin: germline.
Comment: Synonymous substitution variant, with low bioinformatic likelihood to result in a splicing aberration (Splicing prior probability 0.02).

CeGaT Center for Human Genetics Tuebingen
Classification: Likely benign. Last evaluated: 2026-08-01. Review status: criteria provided, single submitter. Criteria: CeGaT Center For Human Genetics Tuebingen Variant Classification Criteria Version 2. Collection method: clinical testing. Allele origin: germline. Affected: yes. Observed: 14 variant alleles. Not counted in ClinVar's aggregate classification.
Comment: BRCA1: BP4, BP7

Labcorp Genetics (formerly Invitae), Labcorp
Classification: Benign for Hereditary breast ovarian cancer syndrome. Last evaluated: 2026-01-21. Review status: criteria provided, single submitter. Criteria: Invitae Variant Classification Sherloc (09022015). Collection method: clinical testing. Allele origin: germline. Not counted in ClinVar's aggregate classification.

Center for Genomic Medicine, Rigshospitalet, Copenhagen University Hospital
Classification: Likely benign. Last evaluated: 2025-03-04. Review status: criteria provided, single submitter. Criteria: ACMG Guidelines, 2015. Collection method: clinical testing. Allele origin: germline. Not counted in ClinVar's aggregate classification.

Molecular Diagnostics Laboratory, Catalan Institute of Oncology
Classification: Benign for Hereditary cancer-predisposing syndrome. Last evaluated: 2025-01-21. Review status: criteria provided, single submitter. Criteria: ClinGen BRCA1BRCA2 ACMG Specifications BRCA1 V1.0.0. Collection method: clinical testing. Allele origin: germline. Not counted in ClinVar's aggregate classification.
Comment: BS1, BP1_Strong c.1065G>A, located outside any (potentially) clinically important functional domain of BRCA1, is predicted to result in no splicing alteration (according to SpliceAI) and no amino acid change, p.(Lys355=) (BP1_Strong). The variant allele was found in 30/117908 alleles, with a filter allele frequency of 0.016% at 99% confidence, within the European (non-Finnish) population in the gnomAD v2.1.1 database (non-cancer data set) (BS1).In addition, the variant has demonstrated to have no impact on splicing (PMID: 18273839). This variant has been reported in the ClinVar database (8x benign, 12x likely benign), in the LOVD database (5x benign, 6x likely benign, 34x uncertain significance,) and in the BRCA Exchange database as a likely benign variant (Synonymous substitution variant, with low bioinformatic likelihood to result in a splicing aberration (Splicing prior probability 0.02). Based on currently available information, the variant c.1065G>A should be considered a benign variant.

Blueprint Genetics
Classification: Likely benign. Last evaluated: 2024-11-19. Review status: criteria provided, single submitter. Criteria: ACMG Guidelines, 2015. Collection method: clinical testing. Allele origin: germline. Not counted in ClinVar's aggregate classification.

All of Us Research Program, National Institutes of Health
Classification: Benign for Breast-ovarian cancer, familial, susceptibility to, 1. Last evaluated: 2024-01-11. Review status: criteria provided, single submitter. Criteria: ACMG Guidelines, 2015. Collection method: clinical testing. Allele origin: germline. Inheritance: Autosomal dominant inheritance. Observed: 26 variant alleles, 26 heterozygotes. Not counted in ClinVar's aggregate classification.
Comment: This study involves interpretation of variants in research participants for the purpose of population health screening. Participant phenotype was not available at the time of variant classification. Additional details can be found in publication PMID: 35346344, PMCID: PMC8962531

Institute for Biomarker Research, Medical Diagnostic Laboratories, L.L.C.
Classification: Likely benign for Hereditary breast ovarian cancer syndrome. Last evaluated: 2023-09-05. Review status: criteria provided, single submitter. Criteria: ACMG Guidelines, 2015. Collection method: clinical testing. Allele origin: germline. Not counted in ClinVar's aggregate classification.

KCCC/NGS Laboratory, Kuwait Cancer Control Center
Classification: Likely benign for Breast-ovarian cancer, familial, susceptibility to, 1. Last evaluated: 2023-07-07. Review status: criteria provided, single submitter. Criteria: ACMG Guidelines, 2015. Collection method: clinical testing. Allele origin: germline. Affected: yes. Not counted in ClinVar's aggregate classification.

CHEO Genetics Diagnostic Laboratory, Children's Hospital of Eastern Ontario
Classification: Likely benign for Breast and/or ovarian cancer. Last evaluated: 2022-05-16. Review status: criteria provided, single submitter. Criteria: ACMG Guidelines, 2015. Collection method: clinical testing. Allele origin: germline. Not counted in ClinVar's aggregate classification.

Sema4
Classification: Likely benign for Hereditary cancer-predisposing syndrome. Last evaluated: 2021-06-16. Review status: criteria provided, single submitter. Criteria: Sema4 Curation Guidelines. Collection method: curation. Allele origin: germline. Not counted in ClinVar's aggregate classification.

Women's Health and Genetics/Laboratory Corporation of America, LabCorp
Classification: Benign. Last evaluated: 2016-10-05. Review status: criteria provided, single submitter. Criteria: LabCorp Variant Classification Summary - May 2015. Collection method: clinical testing. Allele origin: germline. Not counted in ClinVar's aggregate classification.
Comment: Variant summary:The BRCA1 c.1065G>A (p.Lys355Lys) variant causes a synonymous change involving a non-conserved nucleotide with 5/5 splicing algorithms predict no significant effect on splice donor and acceptor sites, which is consistent with an in vitro study (Anczukow et al 2008) showing that the variant did not affect splicing based on a mini-gene assay. This variant was found in 23/121396 control chromosomes, predominantly observed in the European (Non-Finnish) subpopulation at a frequency of 0.0003297 (22/66736). This frequency is lower than the estimated maximal expected allele frequency of a pathogenic BRCA1 variant (0.0010005), but suggests that it may be a rare polymorphism. In at least two reported patients (1 published and 1 unpublished finding from UMD), this variant co-occurred with another deleterious variant in BRCA1, strongly supporting a benign outcome. In addition, multiple clinical diagnostic laboratories/reputable databases classified this variant as benign. Taken together, all evidence supports a non-pathogenic nature for the variant, and the variant was classified as benign.

Color Diagnostics, LLC DBA Color Health
Classification: Benign for Hereditary cancer-predisposing syndrome. Last evaluated: 2015-12-02. Review status: criteria provided, single submitter. Criteria: ACMG Guidelines, 2015. Collection method: clinical testing. Allele origin: germline. Not counted in ClinVar's aggregate classification.

GeneDx
Classification: Benign. Last evaluated: 2014-10-01. Review status: criteria provided, single submitter. Criteria: GeneDx Variant Classification (06012015). Collection method: clinical testing. Allele origin: germline. Affected: yes. Not counted in ClinVar's aggregate classification.
Comment: This variant is considered likely benign or benign based on one or more of the following criteria: it is a conservative change, it occurs at a poorly conserved position in the protein, it is predicted to be benign by multiple in silico algorithms, and/or has population frequency not consistent with disease.

Ambry Genetics
Classification: Likely benign for Hereditary cancer-predisposing syndrome. Last evaluated: 2014-09-19. Review status: criteria provided, single submitter. Criteria: Ambry Variant Classification Scheme 2023. Collection method: clinical testing. Allele origin: germline. Not counted in ClinVar's aggregate classification.